The following is an entry in ClinVar:

ClinVar aggregate classification (germline): Likely benign (0 of 4 stars; one submission).

Conditions:
GABRA1-related disorder. Also called: GABRA1-related condition.

Submission:

PreventionGenetics, part of Exact Sciences
Classification: Likely benign for GABRA1-related condition. Last evaluated: 2019-04-01. Review status: no assertion criteria provided. Collection method: clinical testing. Allele origin: germline.
Comment: This variant is classified as likely benign based on ACMG/AMP sequence variant interpretation guidelines (Richards et al. 2015 PMID: 25741868, with internal and published modifications).

NM_001127644.2(GABRA1):c.857-10_857-9dup

Gene: GABRA1 (gamma-aminobutyric acid type A receptor subunit alpha1; plus strand). Cytogenetic location: 5q34.
Variant type: Duplication.
Coding change: c.857-10_857-9dup on transcript NM_001127644.2 (MANE Select); 10 bases into the intron before coding-DNA position 857 through 9 bases into the intron before coding-DNA position 857, 2 bases duplicated (TT; older notation c.857-10_857-9dupTT).
Molecular consequence: intron variant.
Genome position (GRCh38, 1-based): chr5:161,895,656-161,895,657, TT duplicated; duplicating any 2 consecutive bases within chr5:161,895,647-161,895,657 gives the same sequence; the c. name uses the placement nearest the transcript's 3' end. VCF-style (leftmost placement, unchanged base first): chr5-161895646-G-GTT. GRCh37 (hg19) VCF-style: chr5-161322652-G-GTT.
Other names: c.857-10_857-9dup (NM_000806.5, NM_001127643.2, NM_001127645.2 and 1 more transcripts); c.857-10_857-9dupTT (NM_000806.5).
Identifiers: ClinVar variation 3040416 (VCV003040416.2), dbSNP rs3214859, ClinGen allele CA3544540.